The following is an entry in ClinVar:

ClinVar aggregate classification (germline): Pathogenic. Review status: criteria provided, multiple submitters, no conflicts (2 of 4 stars). 3 submissions from 3 submitters: Pathogenic (3). Last evaluated 2024-02-20.

Conditions:
Familial cancer of breast. Also called: hereditary breast carcinoma; BREAST CANCER, FAMILIAL; Hereditary breast cancer. Identifiers: Orphanet 227535, MedGen C0346153, MONDO:0016419, OMIM 114480. Disease mechanism: loss of function.

Submissions (3):

Myriad Genetics, Inc.
Classification: Pathogenic for Familial cancer of breast. Last evaluated: 2024-02-20. Review status: criteria provided, single submitter. Criteria: Myriad Autosomal Dominant, Autosomal Recessive and X-Linked Classification Criteria (2023). Collection method: clinical testing. Allele origin: unknown.
Comment: This variant is considered pathogenic. This variant creates a termination codon and is predicted to result in premature protein truncation.

Institute for Clinical Genetics, University Hospital TU Dresden, University Hospital TU Dresden
Classification: Pathogenic. Last evaluated: 2021-11-03. Review status: criteria provided, single submitter. Criteria: ACMG Guidelines, 2015. Collection method: clinical testing. Allele origin: germline.

Labcorp Genetics (formerly Invitae), Labcorp
Classification: Pathogenic for Familial cancer of breast. Last evaluated: 2018-10-11. Review status: criteria provided, single submitter. Criteria: Invitae Variant Classification Sherloc (09022015). Collection method: clinical testing. Allele origin: germline.
Comment: For these reasons, this variant has been classified as Pathogenic. Loss-of-function variants in CHEK2 are known to be pathogenic (PMID: 21876083, 24713400). This variant has not been reported in the literature in individuals with CHEK2-related disease. This variant is not present in population databases (ExAC no frequency). This sequence change creates a premature translational stop signal (p.Asp134*) in the CHEK2 gene. It is expected to result in an absent or disrupted protein product.

Literature cited by the submitters: PubMed 21876083 (cited by Labcorp Genetics (formerly Invitae), Labcorp); PubMed 24713400 (cited by Labcorp Genetics (formerly Invitae), Labcorp).

NM_007194.4(CHEK2):c.400_401del (p.Thr133_Asp134insTer)

Gene: CHEK2 (checkpoint kinase 2; minus strand). Cytogenetic location: 22q12.1.
Variant type: Deletion.
Coding change: c.400_401del on transcript NM_007194.4 (MANE Select); coding-DNA positions 400 to 401, 2 bases deleted (GA; older notation c.400_401delGA).
Protein change: p.Thr133_Asp134insTer.
Molecular consequence: nonsense. On other transcripts: frameshift variant (3).
Genome position (GRCh38, 1-based): chr22:28,725,286-28,725,287, TC deleted on the plus strand (GA on the coding strand, the reverse complement: CHEK2 is on the minus strand); deleting any 2 consecutive bases within chr22:28,725,286-28,725,288 gives the same sequence; the c. name uses the placement nearest the transcript's 3' end. VCF-style (leftmost placement, unchanged base first): chr22-28725285-ATC-A. GRCh37 (hg19) VCF-style: chr22-29121273-ATC-A.
Other names: c.400_401delGA (NM_007194.3); c.528_529delAG, p.Asp177Terfs (NM_001005735.3); c.-379_-378delAG (NM_001257387.3); c.399_400delAG, p.Asp134Terfs (NM_001349956.3, NM_145862.3).
Identifiers: ClinVar variation 572230 (VCV000572230.12), dbSNP rs1569158640, ClinGen allele CA891844559.
Genomic context (GRCh38, chr22:28,725,285, plus strand): 5'-TGGGTATTCATTACCTACCCTGAAAATCCGAAAGTGTTTCTTGCTGTATGTTCGGTATTT[ATC>A]TGTTCTTTTCAGCAGTGGTTCATCAAAGCAATATTCACAGCTTTTGTCCCTCCCAAACCA-3'